The following is an entry in ClinVar:

ClinVar aggregate classification (germline): Uncertain significance (1 of 4 stars; one submission).

Conditions:
Charcot-Marie-Tooth disease axonal type 2O. Also called: CHARCOT-MARIE-TOOTH NEUROPATHY, AXONAL, TYPE 2O; CHARCOT-MARIE-TOOTH DISEASE, AXONAL, AUTOSOMAL DOMINANT, TYPE 2O; Charcot-Marie-Tooth Neuropathy Type 2O; Charcot-Marie-Tooth disease, axonal, type 20. Identifiers: Orphanet 284232, MedGen C3280220, MONDO:0013644, OMIM 614228.

Submission:

Labcorp Genetics (formerly Invitae), Labcorp
Classification: Uncertain significance for Charcot-Marie-Tooth disease axonal type 2O. Last evaluated: 2022-06-03. Review status: criteria provided, single submitter. Criteria: Invitae Variant Classification Sherloc (09022015). Collection method: clinical testing. Allele origin: germline.
Comment: In summary, the available evidence is currently insufficient to determine the role of this variant in disease. Therefore, it has been classified as a Variant of Uncertain Significance. Algorithms developed to predict the effect of missense changes on protein structure and function are either unavailable or do not agree on the potential impact of this missense change (SIFT: "Deleterious"; PolyPhen-2: "Benign"; Align-GVGD: "Class C65"). This variant has not been reported in the literature in individuals affected with DYNC1H1-related conditions. This variant is not present in population databases (gnomAD no frequency). This sequence change replaces glutamic acid, which is acidic and polar, with glycine, which is neutral and non-polar, at codon 3449 of the DYNC1H1 protein (p.Glu3449Gly).

NM_001376.5(DYNC1H1):c.10346A>G (p.Glu3449Gly)

Gene: DYNC1H1 (dynein cytoplasmic 1 heavy chain 1; plus strand). Cytogenetic location: 14q32.31.
Variant type: single nucleotide variant.
Coding change: c.10346A>G on transcript NM_001376.5 (MANE Select); coding-DNA position 10346, A replaced by G.
Protein change: p.Glu3449Gly; replaces glutamic acid 3449 with glycine.
Molecular consequence: missense variant.
Genome position (GRCh38, 1-based): chr14:102,033,417, A>G. VCF-style: chr14-102033417-A-G. GRCh37 (hg19) VCF-style: chr14-102499754-A-G.
Other names: short protein forms E3449G.
Identifiers: ClinVar variation 2002141 (VCV002002141.4), dbSNP rs1555411398, ClinGen allele CA391024406.